The following is an entry in ClinVar:

ClinVar aggregate classification (germline): Uncertain significance (1 of 4 stars; one submission).

Conditions:
Perlman syndrome (PRLMNS). Identifiers: Orphanet 2849, MedGen C0796113, MONDO:0009965, OMIM 267000.

Allele frequency attached by ClinVar (database versions not stated): gnomAD exomes below 0.00001.
gnomAD v4.1: 1 of 1,611,296 alleles (0.000062%); highest among the groups gnomAD compares: Non-Finnish European, 0.000085%; no homozygotes.

Submission:

Labcorp Genetics (formerly Invitae), Labcorp
Classification: Uncertain significance for Perlman syndrome. Last evaluated: 2022-05-20. Review status: criteria provided, single submitter. Criteria: Invitae Variant Classification Sherloc (09022015). Collection method: clinical testing. Allele origin: germline.
Comment: In summary, the available evidence is currently insufficient to determine the role of this variant in disease. Therefore, it has been classified as a Variant of Uncertain Significance. Algorithms developed to predict the effect of missense changes on protein structure and function are either unavailable or do not agree on the potential impact of this missense change (SIFT: "Deleterious"; PolyPhen-2: "Probably Damaging"; Align-GVGD: "Class C0"). This variant has not been reported in the literature in individuals affected with DIS3L2-related conditions. This variant is not present in population databases (gnomAD no frequency). This sequence change replaces proline, which is neutral and non-polar, with arginine, which is basic and polar, at codon 668 of the DIS3L2 protein (p.Pro668Arg).

NM_152383.5(DIS3L2):c.2003C>G (p.Pro668Arg)

Gene: DIS3L2 (DIS3 like 3'-5' exoribonuclease 2; plus strand). Cytogenetic location: 2q37.1.
Variant type: single nucleotide variant.
Coding change: c.2003C>G on transcript NM_152383.5 (MANE Select); coding-DNA position 2003, C replaced by G.
Protein change: p.Pro668Arg; replaces proline 668 with arginine.
Molecular consequence: missense variant. On other transcripts: non-coding transcript variant (2), intron variant (1).
Genome position (GRCh38, 1-based): chr2:232,330,769, C>G. VCF-style: chr2-232330769-C-G. GRCh37 (hg19) VCF-style: chr2-233195479-C-G.
Other names: c.1582-12576C>G (NM_001257281.2); short protein forms P668R.
Identifiers: ClinVar variation 2428098 (VCV002428098.5), dbSNP rs2469436801, ClinGen allele CA350976760.
Genomic context (GRCh38, chr2:232,330,769, plus strand): 5'-TTGGAGATGACAAGTACTCACTGGCCCGCAAGGAGGTGCTCACCAACATGTGCTCCCGGC[C>G]CATGCAGGTAAGGAGGGCCCAGCCCCGGCCTCCCCTGCTCCCAGGAGCACACTAGCCCCA-3'
Protein context (NP_689596.4, residues 658-678): KEVLTNMCSR[Pro668Arg]MQMALYFCSG